The following is an entry in ClinVar:

NM_001354604.2(MITF):c.157A>G (p.Met53Val)

Gene: MITF (melanocyte inducing transcription factor; plus strand). Cytogenetic location: 3p13.
Variant type: single nucleotide variant.
Coding change: c.157A>G on transcript NM_001354604.2 (MANE Select); coding-DNA position 157, A replaced by G.
Protein change: p.Met53Val; replaces methionine 53 with valine.
Molecular consequence: missense variant. On other transcripts: initiator codon variant (2).
Genome position (GRCh38, 1-based): chr3:69,879,186, A>G. VCF-style: chr3-69879186-A-G. GRCh37 (hg19) VCF-style: chr3-69928337-A-G.
Other names: c.1A>G, p.Met1Val (NM_001184967.2, NM_001354608.2); c.154A>G, p.Met52Val (NM_001354605.2, NM_001354606.2, NM_006722.3); c.106A>G, p.Met36Val (NM_001354607.2); c.157A>G, p.Met53Val (NM_198159.3); c.109A>G, p.Met37Val (NM_198177.3); short protein forms M1V, M36V, M37V, M52V, M53V.
Identifiers: ClinVar variation 4993923 (VCV004993923.1).

ClinVar aggregate classification (germline): Uncertain significance (1 of 4 stars; one submission).

Conditions:
MITF-related disorder. Also called: MITF-related condition.

gnomAD v4.1: 37 of 1,614,120 alleles (0.0023%); highest among the groups gnomAD compares: Admixed American, 0.005%; no homozygotes.

Submission:

PreventionGenetics, part of Exact Sciences
Classification: Uncertain significance for MITF-related condition. Last evaluated: 2025-08-18. Review status: criteria provided, single submitter. Criteria: ACMG Guidelines, 2015. Collection method: clinical testing. Allele origin: germline.
Comment: The MITF c.1A>G variant is predicted to disrupt the translation initiation site (Start loss). Of note, this variant is also referred to as c.-57537A>G with alternate isoform NM_000248. To our knowledge, this variant has not been reported in the literature. This variant is reported in 0.0057% of alleles in individuals of Latino descent in gnomAD. At this time, the clinical significance of this variant is uncertain due to the absence of conclusive functional and genetic evidence.